The following is an entry in ClinVar:

NM_006005.3(WFS1):c.1492G>A (p.Val498Ile)

Gene: WFS1 (wolframin ER transmembrane glycoprotein; plus strand). Cytogenetic location: 4p16.1.
Variant type: single nucleotide variant.
Coding change: c.1492G>A on transcript NM_006005.3 (MANE Select); coding-DNA position 1492, G replaced by A.
Protein change: p.Val498Ile; replaces valine 498 with isoleucine.
Molecular consequence: missense variant.
Genome position (GRCh38, 1-based): chr4:6,301,287, G>A. VCF-style: chr4-6301287-G-A. GRCh37 (hg19) VCF-style: chr4-6303014-G-A.
Other names: c.1492G>A, p.Val498Ile (NM_001145853.1); short protein forms V498I.
Identifiers: ClinVar variation 1216007 (VCV001216007.14), dbSNP rs71524358, ClinGen allele CA2839375.
Genomic context (GRCh38, chr4:6,301,287, plus strand): 5'-TGGCCCTACCTGAAGGTCCTTGGCCAGACCTTCATCACCGTGCCTGTCGGCCACCTGGTC[G>A]TCCTCAACGTCAGCGTCCCGTGCCTGCTCTATGTCTACCTGCTCTATCTCTTCTTCCGCA-3'
Protein context (NP_005996.2, residues 488-508): FITVPVGHLV[Val498Ile]LNVSVPCLLY

ClinVar aggregate classification (germline): Conflicting classifications of pathogenicity. Review status: criteria provided, conflicting classifications (1 of 4 stars). 5 submissions from 5 submitters: Uncertain significance (4); Likely benign (1). Last evaluated 2025-10-22.

Conditions:
Cataract 41 (CTRCT41). Also called: CATARACT 41, CONGENITAL NUCLEAR TYPE. Identifiers: Orphanet 91492, Orphanet 98991, Orphanet 98992, Orphanet 98995, MedGen C3805412, MONDO:0007287, OMIM 116400.
Wolfram syndrome 1 (WFS1). Identifiers: Orphanet 3463, MedGen C4551693, MONDO:0009101, OMIM 222300.
Wolfram-like syndrome. Also called: HEARING LOSS, PROGRESSIVE, WITH OPTIC ATROPHY AND/OR IMPAIRED GLUCOSE REGULATION. Identifiers: Orphanet 411590, MedGen C3280358, MONDO:0013673, OMIM 614296.
Autosomal dominant nonsyndromic hearing loss 6 (LFSNHL). Also called: DEAFNESS, AUTOSOMAL DOMINANT 6; DEAFNESS, AUTOSOMAL DOMINANT 14; DEAFNESS, AUTOSOMAL DOMINANT 38; Autosomal dominant nonsyndromic deafness 6. Identifiers: Orphanet 90635, MedGen C1833021, MONDO:0010963, OMIM 600965.
Type 2 diabetes mellitus. Also called: Type II diabetes mellitus. Identifiers: MedGen C0011860, MeSH D003924, MONDO:0005148, OMIM 125853, HP:0005978.
WFS1-related disorder. Identifiers: MedGen CN379391, MONDO:0700293.

Allele frequency attached by ClinVar (database versions not stated): ExAC 0.00003; gnomAD exomes 0.00004; gnomAD 0.00013; ESP Exome Variant Server 0.00015; 1000 Genomes Project 0.00020; 1000 Genomes Project 30x 0.00047.

Submissions (5):

Labcorp Genetics (formerly Invitae), Labcorp
Classification: Uncertain significance. Last evaluated: 2025-10-22. Review status: criteria provided, single submitter. Criteria: Invitae Variant Classification Sherloc (09022015). Collection method: clinical testing. Allele origin: germline.
Comment: This sequence change replaces valine, which is neutral and non-polar, with isoleucine, which is neutral and non-polar, at codon 498 of the WFS1 protein (p.Val498Ile). This variant is present in population databases (rs71524358, gnomAD 0.02%). This variant has not been reported in the literature in individuals affected with WFS1-related conditions. ClinVar contains an entry for this variant (Variation ID: 1216007). Invitae Evidence Modeling of protein sequence and biophysical properties (such as structural, functional, and spatial information, amino acid conservation, physicochemical variation, residue mobility, and thermodynamic stability) indicates that this missense variant is not expected to disrupt WFS1 protein function with a negative predictive value of 95%. In summary, the available evidence is currently insufficient to determine the role of this variant in disease. Therefore, it has been classified as a Variant of Uncertain Significance.

PreventionGenetics, part of Exact Sciences
Classification: Uncertain significance for WFS1-related condition. Last evaluated: 2025-09-12. Review status: criteria provided, single submitter. Criteria: ACMG Guidelines, 2015. Collection method: clinical testing. Allele origin: germline.
Comment: The WFS1 c.1492G>A variant is predicted to result in the amino acid substitution p.Val498Ile. To our knowledge, this variant has not been reported in the literature. This variant is reported in 0.020% of alleles in individuals of African descent in gnomAD. At this time, the clinical significance of this variant is uncertain due to the absence of conclusive functional and genetic evidence.

Blueprint Genetics
Classification: Likely benign. Last evaluated: 2024-10-23. Review status: criteria provided, single submitter. Criteria: ACMG Guidelines, 2015. Collection method: clinical testing. Allele origin: germline.

GeneDx
Classification: Uncertain significance. Last evaluated: 2024-05-21. Review status: criteria provided, single submitter. Criteria: GeneDx Variant Classification Process June 2021. Collection method: clinical testing. Allele origin: germline. Affected: yes.
Comment: In silico analysis supports that this missense variant does not alter protein structure/function; Has not been previously published as pathogenic or benign to our knowledge

Fulgent Genetics
Classification: Uncertain significance for Cataract 41; Type 2 diabetes mellitus; Wolfram syndrome 1; Autosomal dominant nonsyndromic hearing loss 6; Wolfram-like syndrome. Last evaluated: 2022-04-15. Review status: criteria provided, single submitter. Criteria: ACMG Guidelines, 2015. Collection method: clinical testing. Allele origin: unknown.